The following is an entry in ClinVar:

ClinVar aggregate classification (germline): Uncertain significance (1 of 4 stars; one submission).

gnomAD v4.1: 5 of 1,614,122 alleles (0.00031%); highest among the groups gnomAD compares: Non-Finnish European, 0.00042%; no homozygotes.

Submission:

Labcorp Genetics (formerly Invitae), Labcorp
Classification: Uncertain significance. Last evaluated: 2025-08-29. Review status: criteria provided, single submitter. Criteria: Invitae Variant Classification Sherloc (09022015). Collection method: clinical testing. Allele origin: germline.
Comment: This sequence change replaces glutamic acid, which is acidic and polar, with lysine, which is basic and polar, at codon 1455 of the COL4A2 protein (p.Glu1455Lys). This variant is not present in population databases (gnomAD no frequency). This variant has not been reported in the literature in individuals affected with COL4A2-related conditions. Invitae Evidence Modeling of protein sequence and biophysical properties (such as structural, functional, and spatial information, amino acid conservation, physicochemical variation, residue mobility, and thermodynamic stability) indicates that this missense variant is not expected to disrupt COL4A2 protein function with a negative predictive value of 95%. In summary, the available evidence is currently insufficient to determine the role of this variant in disease. Therefore, it has been classified as a Variant of Uncertain Significance.

NM_001846.4(COL4A2):c.4363G>A (p.Glu1455Lys)

Genes: COL4A2 (collagen type IV alpha 2 chain; plus strand), COL4A2-AS1 (COL4A2 antisense RNA 1; minus strand). Cytogenetic location: 13q34.
Variant type: single nucleotide variant.
Coding change: c.4363G>A on transcript NM_001846.4 (MANE Select); coding-DNA position 4363, G replaced by A.
Protein change: p.Glu1455Lys; replaces glutamic acid 1455 with lysine.
Molecular consequence: missense variant.
Genome position (GRCh38, 1-based): chr13:110,504,225, G>A. VCF-style: chr13-110504225-G-A. GRCh37 (hg19) VCF-style: chr13-111156572-G-A.
Other names: short protein forms E1455K.
Identifiers: ClinVar variation 4746343 (VCV004746343.1).
Genomic context (GRCh38, chr13:110,504,225, plus strand): 5'-GGGAAAGCTGGGCCCCAAGGAAGAGGTGGTGTGTCTGCTGTTCCCGGCTTCCGGGGAGAT[G>A]AAGGACCCATAGGCCACCAGGGGCCGATTGGCCAAGAAGGTGAGTGACAGTGGGGAAGGA-3'
Protein context (NP_001837.2, residues 1445-1465): VSAVPGFRGD[Glu1455Lys]GPIGHQGPIG